The following is an entry in ClinVar:

NM_001114753.3(ENG):c.1181G>A (p.Cys394Tyr)

Genes: ENG (endoglin; minus strand), LOC102723566 (uncharacterized LOC102723566; plus strand). Cytogenetic location: 9q34.11.
Variant type: single nucleotide variant.
Coding change: c.1181G>A on transcript NM_001114753.3 (MANE Select); coding-DNA position 1181, G replaced by A.
Protein change: p.Cys394Tyr; replaces cysteine 394 with tyrosine.
Molecular consequence: missense variant.
Genome position (GRCh38, 1-based): chr9:127,819,991, C>T on the plus strand (G>A on the coding strand, the complement: ENG is on the minus strand). VCF-style: chr9-127819991-C-T. GRCh37 (hg19) VCF-style: chr9-130582270-C-T.
Other names: c.1181G>A, p.Cys394Tyr (NM_000118.4); c.635G>A, p.Cys212Tyr (NM_001278138.2); c.1181G>A (NM_000118.2); short protein forms C212Y, C394Y.
Identifiers: ClinVar variation 955744 (VCV000955744.6), dbSNP rs1830434129, ClinGen allele CA374978637.
Genomic context (GRCh38, chr9:127,819,991, plus strand): 5'-ATGCCACAGCTGGAGTAAGCACTGCGCAAGACAAACTTGTCACCCCTGTCCTCTGCCTCA[C>T]AGCTGGGGTCCCAGAAGGTCAGGCCCGTGATGGTGCACTTCAAATGCTGGGTCGGAAGAG-3'
Protein context (NP_001108225.1, residues 384-404): ITGLTFWDPS[Cys394Tyr]EAEDRGDKFV

ClinVar aggregate classification (germline): Conflicting classifications of pathogenicity. Review status: criteria provided, conflicting classifications (1 of 4 stars). 4 submissions from 4 submitters: Likely pathogenic (2); Uncertain significance (2). Last evaluated 2025-11-25.

Conditions:
Hereditary hemorrhagic telangiectasia (HHT). Also called: Osler hemorrhagic telangiectasia syndrome; ORW DISEASE; Osler Weber Rendu syndrome; OSLER-RENDU-WEBER DISEASE. Identifiers: Orphanet 774, MedGen C0039445, MONDO:0019180. Disease mechanism: loss of function.
ENG-related disorder. Also called: ENG-related condition; ENG-related disorders.
Telangiectasia, hereditary hemorrhagic, type 1 (HHT1). Also called: Osler Weber Rendu syndrome type 1; ENG-Related Hereditary Hemorrhagic Telangiectasia. Identifiers: Orphanet 774, MedGen C4551861, MONDO:0008535, OMIM 187300. Disease mechanism: loss of function.

Submissions (4):

Department of Medical Genomics, Royal Prince Alfred Hospital
Classification: Likely pathogenic for Telangiectasia, hereditary hemorrhagic, type 1. Last evaluated: 2025-11-25. Review status: criteria provided, single submitter. Criteria: ACMG Guidelines, 2015. Collection method: clinical testing. Allele origin: germline. Inheritance: Autosomal dominant inheritance. Affected: yes. Observed: 1 heterozygote.
Comment: This is a rare variant not observed in control population database. The variant has been described in at least two individuals with a diagnosis of hereditary haemorrhagic telangiectasia. This variant affects a critical systeine residue known to form a disulfide bone with another cysteine at codon 412. Disruption of this variant is predicted to be pathogenic by in silico analysis (REVEL 0.837). A different missense variant affecting the same amino acid (c.1180T>C) has been reported as pathogenic (ClinVar accession: VCV002756475.2).

PreventionGenetics, part of Exact Sciences
Classification: Likely pathogenic for ENG-related condition. Last evaluated: 2025-03-17. Review status: criteria provided, single submitter. Criteria: ACMG Guidelines, 2015. Collection method: clinical testing. Allele origin: germline.
Comment: The ENG c.1181G>A variant is predicted to result in the amino acid substitution p.Cys394Tyr. This variant was reported in multiple individuals from different families with hereditary haemorrhagic telangiectasia (Richards-Yutz et al. 2010. PubMed ID: 20414677; Table S1, McDonald et al. 2020. PubMed ID: 32300199; Kitayama et al. 2021. PubMed ID: 34872578). This variant has not been reported in a large population database (gnomAD), indicating this variant is rare. This variant is interpreted as likely pathogenic.

GeneDx
Classification: Uncertain significance. Last evaluated: 2025-01-24. Review status: criteria provided, single submitter. Criteria: GeneDx Variant Classification Process June 2021. Collection method: clinical testing. Allele origin: germline. Affected: yes.
Comment: Not observed at significant frequency in large population cohorts (gnomAD); In silico analysis supports that this missense variant has a deleterious effect on protein structure/function; This variant is associated with the following publications: (PMID: 20414677, 32300199, 34872578)

Labcorp Genetics (formerly Invitae), Labcorp
Classification: Uncertain significance for Hereditary hemorrhagic telangiectasia. Last evaluated: 2019-10-31. Review status: criteria provided, single submitter. Criteria: Invitae Variant Classification Sherloc (09022015). Collection method: clinical testing. Allele origin: germline.
Comment: This sequence change replaces cysteine with tyrosine at codon 394 of the ENG protein (p.Cys394Tyr). The cysteine residue is highly conserved and there is a large physicochemical difference between cysteine and tyrosine. This variant is not present in population databases (ExAC no frequency). This variant has been observed in individuals affected with hereditary hemorrhagic telangiectasia (PMID: 20414677, Invitae). Algorithms developed to predict the effect of missense changes on protein structure and function are either unavailable or do not agree on the potential impact of this missense change (SIFT: "Deleterious"; PolyPhen-2: "Probably Damaging"; Align-GVGD: "Class C0"). In summary, the available evidence is currently insufficient to determine the role of this variant in disease. Therefore, it has been classified as a Variant of Uncertain Significance.

Literature cited by the submitters: PubMed 20414677 (cited by Department of Medical Genomics, Royal Prince Alfred Hospital and Labcorp Genetics (formerly Invitae), Labcorp).